The following is an entry in ClinVar:

ClinVar aggregate classification (germline): Pathogenic/Likely pathogenic. Review status: criteria provided, multiple submitters, no conflicts (2 of 4 stars). 3 submissions from 3 submitters: Pathogenic (2); Likely pathogenic (1). Last evaluated 2025-03-03.

Conditions:
Joubert syndrome 3 (JBTS3). Also called: AHI1-related Ciliopathy. Identifiers: Orphanet 220493, MedGen C1837713, MONDO:0012078, OMIM 608629.
Joubert syndrome. Also called: CEREBELLOPARENCHYMAL DISORDER IV; JOUBERT-BOLTSHAUSER SYNDROME; Familial aplasia of the vermis. Identifiers: Orphanet 475, MedGen C5979921, MONDO:0018772.
Joubert syndrome and related disorders. Identifiers: Orphanet 140874, MedGen C5679612, MONDO:0015369.

Submissions (3):

Women's Health and Genetics/Laboratory Corporation of America, LabCorp
Classification: Pathogenic for Joubert syndrome and related disorders. Last evaluated: 2025-03-03. Review status: criteria provided, single submitter. Criteria: LabCorp Variant Classification Summary - May 2015. Collection method: clinical testing. Allele origin: germline.
Comment: Variant summary: AHI1 c.195_202delCACTATTA (p.Asp65GlufsX8) results in a premature termination codon, predicted to cause a truncation of the encoded protein or absence of the protein due to nonsense mediated decay, which are commonly known mechanisms for disease. The variant allele was found at a frequency of 4e-06 in 248878 control chromosomes (gnomAD). To our knowledge, no occurrence of c.195_202delCACTATTA in individuals affected with Joubert syndrome and related disorders and no experimental evidence demonstrating its impact on protein function have been reported. ClinVar contains an entry for this variant (Variation ID: 2907129). Based on the evidence outlined above, the variant was classified as pathogenic.

Fulgent Genetics
Classification: Likely pathogenic for Joubert syndrome 3. Last evaluated: 2024-04-24. Review status: criteria provided, single submitter. Criteria: ACMG Guidelines, 2015. Collection method: clinical testing. Allele origin: germline.

Labcorp Genetics (formerly Invitae), Labcorp
Classification: Pathogenic for Joubert syndrome. Last evaluated: 2024-01-24. Review status: criteria provided, single submitter. Criteria: Invitae Variant Classification Sherloc (09022015). Collection method: clinical testing. Allele origin: germline.
Comment: This sequence change creates a premature translational stop signal (p.Asp65Glufs*8) in the AHI1 gene. It is expected to result in an absent or disrupted protein product. Loss-of-function variants in AHI1 are known to be pathogenic (PMID: 15322546, 16453322, 28442542, 29186038). This variant is present in population databases (no rsID available, gnomAD 0.0009%). This variant has not been reported in the literature in individuals affected with AHI1-related conditions. For these reasons, this variant has been classified as Pathogenic.

Literature cited by the submitters: PubMed 15322546 (cited by Labcorp Genetics (formerly Invitae), Labcorp); PubMed 16453322 (cited by Labcorp Genetics (formerly Invitae), Labcorp); PubMed 28442542 (cited by Labcorp Genetics (formerly Invitae), Labcorp); PubMed 29186038 (cited by Labcorp Genetics (formerly Invitae), Labcorp).

NM_001134831.2(AHI1):c.195_202del (p.Asp65fs)

Gene: AHI1 (Abelson helper integration site 1; minus strand). Cytogenetic location: 6q23.3.
Variant type: Deletion.
Coding change: c.195_202del on transcript NM_001134831.2 (MANE Select); coding-DNA positions 195 to 202, 8 bases deleted (CACTATTA; older notation c.195_202delCACTATTA).
Protein change: p.Asp65fs; shifts the reading frame from aspartic acid 65.
Molecular consequence: frameshift variant.
Genome position (GRCh38, 1-based): chr6:135,466,361-135,466,368, TAATAGTG deleted on the plus strand (CACTATTA on the coding strand, the reverse complement: AHI1 is on the minus strand); deleting any 8 consecutive bases within chr6:135,466,361-135,466,369 gives the same sequence; the c. name uses the placement nearest the transcript's 3' end. VCF-style (leftmost placement, unchanged base first): chr6-135466360-CTAATAGTG-C. GRCh37 (hg19) VCF-style: chr6-135787498-CTAATAGTG-C.
Other names: c.195_202del, p.Asp65fs (NM_001134830.2, NM_001134832.2, NM_001350503.2 and 2 more transcripts); c.195_202delCACTATTA (NM_017651.5); short protein forms D65fs.
Identifiers: ClinVar variation 2907129 (VCV002907129.5), dbSNP rs1333095977, ClinGen allele CA570976369.